The following is an entry in ClinVar:

NM_000069.3(CACNA1S):c.2291T>C (p.Leu764Pro)

Gene: CACNA1S (calcium voltage-gated channel subunit alpha1 S; minus strand). Cytogenetic location: 1q32.1.
Variant type: single nucleotide variant.
Coding change: c.2291T>C on transcript NM_000069.3 (MANE Select); coding-DNA position 2291, T replaced by C.
Protein change: p.Leu764Pro; replaces leucine 764 with proline.
Molecular consequence: missense variant.
Genome position (GRCh38, 1-based): chr1:201,070,341, A>G on the plus strand (T>C on the coding strand, the complement: CACNA1S is on the minus strand). VCF-style: chr1-201070341-A-G. GRCh37 (hg19) VCF-style: chr1-201039469-A-G.
Other names: short protein forms L764P.
Identifiers: ClinVar variation 4980110 (VCV004980110.1).

ClinVar aggregate classification (germline): Uncertain significance (1 of 4 stars; one submission).

Conditions:
CACNA1S-related disorder. Also called: CACNA1S-related condition.

Submission:

PreventionGenetics, part of Exact Sciences
Classification: Uncertain significance for CACNA1S-related condition. Last evaluated: 2025-10-10. Review status: criteria provided, single submitter. Criteria: ACMG Guidelines, 2015. Collection method: clinical testing. Allele origin: germline.
Comment: The CACNA1S c.2291T>C variant is predicted to result in the amino acid substitution p.Leu764Pro. To our knowledge, this variant has not been reported in the literature or in a large population database (gnomAD), indicating this variant is rare. At this time, the clinical significance of this variant is uncertain due to the absence of conclusive functional and genetic evidence.